The following is an entry in ClinVar:

ClinVar aggregate classification (germline): Uncertain significance. Review status: criteria provided, multiple submitters, no conflicts (2 of 4 stars). 2 submissions from 2 submitters: Uncertain significance (2). Last evaluated 2025-12-09.

Conditions:
Congenital sensory neuropathy with selective loss of small myelinated fibers (HSAN5). Also called: HSAN Type V. Identifiers: Orphanet 64752, MedGen C0020075, MONDO:0012092, OMIM 608654.
Inborn genetic diseases. Identifiers: MedGen C0950123, MeSH D030342.

Allele frequency attached by ClinVar (database versions not stated): gnomAD exomes below 0.00001; TOPMed below 0.00001; ExAC 0.00001; gnomAD 0.00001.
gnomAD v4.1: 9 of 1,613,730 alleles (0.00056%); highest among the groups gnomAD compares: Non-Finnish European, 0.00051%; no homozygotes.

Submissions (2):

Ambry Genetics
Classification: Uncertain significance for Inborn genetic diseases. Last evaluated: 2025-12-09. Review status: criteria provided, single submitter. Criteria: Ambry Variant Classification Scheme 2023. Collection method: clinical testing. Allele origin: germline.

Labcorp Genetics (formerly Invitae), Labcorp
Classification: Uncertain significance for Congenital sensory neuropathy with selective loss of small myelinated fibers. Last evaluated: 2021-11-03. Review status: criteria provided, single submitter. Criteria: Invitae Variant Classification Sherloc (09022015). Collection method: clinical testing. Allele origin: germline.
Comment: This sequence change replaces glutamic acid, which is acidic and polar, with lysine, which is basic and polar, at codon 132 of the NGF protein (p.Glu132Lys). This variant is present in population databases (rs772557857, gnomAD 0.0009%). This variant has not been reported in the literature in individuals affected with NGF-related conditions. Algorithms developed to predict the effect of missense changes on protein structure and function are either unavailable or do not agree on the potential impact of this missense change (SIFT: "Tolerated"; PolyPhen-2: "Probably Damaging"; Align-GVGD: "Class C0"). In summary, the available evidence is currently insufficient to determine the role of this variant in disease. Therefore, it has been classified as a Variant of Uncertain Significance.

NM_002506.3(NGF):c.394G>A (p.Glu132Lys)

Genes: NGF-AS1 (NGF antisense RNA 1; plus strand), NGF (nerve growth factor; minus strand). Cytogenetic location: 1p13.2.
Variant type: single nucleotide variant.
Coding change: c.394G>A on transcript NM_002506.3 (MANE Select); coding-DNA position 394, G replaced by A.
Protein change: p.Glu132Lys; replaces glutamic acid 132 with lysine.
Molecular consequence: missense variant.
Genome position (GRCh38, 1-based): chr1:115,286,402, C>T on the plus strand (G>A on the coding strand, the complement: NGF is on the minus strand). VCF-style: chr1-115286402-C-T. GRCh37 (hg19) VCF-style: chr1-115829023-C-T.
Other names: c.394G>A (NM_002506.2); short protein forms E132K.
Identifiers: ClinVar variation 1465554 (VCV001465554.4), dbSNP rs772557857, ClinGen allele CA1022982.